The following is an entry in ClinVar:

ClinVar aggregate classification (germline): Uncertain significance (1 of 4 stars; one submission).

Conditions:
Primary ciliary dyskinesia. Also called: Ciliary dyskinesia. Identifiers: Orphanet 244, MedGen C0008780, MONDO:0016575, HP:0012265.

Allele frequency attached by ClinVar (database versions not stated): TOPMed below 0.00001.
gnomAD v4.1: 4 of 1,613,440 alleles (0.00025%); highest among the groups gnomAD compares: Middle Eastern, 0.066%; 1 homozygote.

Submission:

Labcorp Genetics (formerly Invitae), Labcorp
Classification: Uncertain significance for Primary ciliary dyskinesia. Last evaluated: 2025-03-10. Review status: criteria provided, single submitter. Criteria: Invitae Variant Classification Sherloc (09022015). Collection method: clinical testing. Allele origin: germline.
Comment: This sequence change replaces leucine, which is neutral and non-polar, with arginine, which is basic and polar, at codon 3127 of the DNAH11 protein (p.Leu3127Arg). This variant is not present in population databases (gnomAD no frequency). This missense change has been observed in individual(s) with DNAH11-related conditions (PMID: 34768622). ClinVar contains an entry for this variant (Variation ID: 1431630). Invitae Evidence Modeling of protein sequence and biophysical properties (such as structural, functional, and spatial information, amino acid conservation, physicochemical variation, residue mobility, and thermodynamic stability) has been performed for this missense variant. However, the output from this modeling did not meet the statistical confidence thresholds required to predict the impact of this variant on DNAH11 protein function. In summary, the available evidence is currently insufficient to determine the role of this variant in disease. Therefore, it has been classified as a Variant of Uncertain Significance.

Literature cited by the submitters: PubMed 34768622.

NM_001277115.2(DNAH11):c.9380T>G (p.Leu3127Arg)

Gene: DNAH11 (dynein axonemal heavy chain 11; plus strand). Cytogenetic location: 7p15.3.
Variant type: single nucleotide variant.
Coding change: c.9380T>G on transcript NM_001277115.2 (MANE Select); coding-DNA position 9380, T replaced by G.
Protein change: p.Leu3127Arg; replaces leucine 3127 with arginine.
Molecular consequence: missense variant.
Genome position (GRCh38, 1-based): chr7:21,779,001, T>G. VCF-style: chr7-21779001-T-G. GRCh37 (hg19) VCF-style: chr7-21818619-T-G.
Other names: short protein forms L3127R.
Identifiers: ClinVar variation 1431630 (VCV001431630.16), dbSNP rs755885697, ClinGen allele CA155084651.
Genomic context (GRCh38, chr7:21,779,001, plus strand): 5'-AATGACTTTTGCTTTAGGTGGGAGATCTAAAAGCCAGACTTGCCTCTCAAGAAGCCGAGC[T>G]GCAACTGAGAAATCATGATGCCGAAGCTCTGATCACAAAGATCGGCCTTCAGACGGAGAA-3'
Protein context (NP_001264044.1, residues 3117-3137): KARLASQEAE[Leu3127Arg]QLRNHDAEAL